The following is an entry in ClinVar:

NM_000377.3(WAS):c.74C>T (p.Thr25Ile)

Gene: WAS (WASP actin nucleation promoting factor; plus strand). Cytogenetic location: Xp11.23.
Variant type: single nucleotide variant.
Coding change: c.74C>T on transcript NM_000377.3 (MANE Select); coding-DNA position 74, C replaced by T.
Protein change: p.Thr25Ile; replaces threonine 25 with isoleucine.
Molecular consequence: missense variant.
Genome position (GRCh38, 1-based): chrX:48,683,927, C>T. VCF-style: chrX-48683927-C-T. GRCh37 (hg19) VCF-style: chrX-48542316-C-T.
Other names: short protein forms T25I.
Identifiers: ClinVar variation 1396115 (VCV001396115.6), dbSNP rs374574436, ClinGen allele CA10403836.

ClinVar aggregate classification (germline): Uncertain significance (1 of 4 stars; one submission).

Conditions:
X-linked severe congenital neutropenia (SCNX). Identifiers: Orphanet 86788, MedGen C1845987, MONDO:0010294, OMIM 300299.
Thrombocytopenia 1. Also called: X-linked thrombocytopenia with normal platelets; X-Linked Thrombocytopenia (XLT); THROMBOCYTOPENIA, X-LINKED, 1. Identifiers: Orphanet 268322, Orphanet 852, MedGen C1839163, MONDO:0010743, OMIM 313900.
Wiskott-Aldrich syndrome (WAS). Also called: WISKOTT-ALDRICH SYNDROME 1; ALDRICH SYNDROME; IMMUNODEFICIENCY 2; Wiskott-aldrich syndrome, somatic. Identifiers: Orphanet 906, MedGen C0043194, MONDO:0010518, OMIM 301000.

Allele frequency attached by ClinVar (database versions not stated): ExAC 0.00001; gnomAD exomes 0.00001; ESP Exome Variant Server 0.00009.

Submission:

Labcorp Genetics (formerly Invitae), Labcorp
Classification: Uncertain significance for Wiskott-Aldrich syndrome; X-linked severe congenital neutropenia; Thrombocytopenia 1. Last evaluated: 2021-09-25. Review status: criteria provided, single submitter. Criteria: Invitae Variant Classification Sherloc (09022015). Collection method: clinical testing. Allele origin: germline.
Comment: In summary, the available evidence is currently insufficient to determine the role of this variant in disease. Therefore, it has been classified as a Variant of Uncertain Significance. Algorithms developed to predict the effect of missense changes on protein structure and function are either unavailable or do not agree on the potential impact of this missense change (SIFT: "Not Available"; PolyPhen-2: "Benign"; Align-GVGD: "Not Available"). This variant has not been reported in the literature in individuals affected with WAS-related conditions. This variant is present in population databases (rs374574436, ExAC 0.01%). This sequence change replaces threonine with isoleucine at codon 25 of the WAS protein (p.Thr25Ile). The threonine residue is weakly conserved and there is a moderate physicochemical difference between threonine and isoleucine.